The following is an entry in ClinVar:

NM_198578.4(LRRK2):c.893C>T (p.Ala298Val)

Gene: LRRK2 (leucine rich repeat kinase 2; plus strand). Cytogenetic location: 12q12.
Variant type: single nucleotide variant.
Coding change: c.893C>T on transcript NM_198578.4 (MANE Select); coding-DNA position 893, C replaced by T.
Protein change: p.Ala298Val; replaces alanine 298 with valine.
Molecular consequence: missense variant.
Genome position (GRCh38, 1-based): chr12:40,249,880, C>T. VCF-style: chr12-40249880-C-T. GRCh37 (hg19) VCF-style: chr12-40643682-C-T.
Other names: short protein forms A298V.
Identifiers: ClinVar variation 1765187 (VCV001765187.3), dbSNP rs281865059, ClinGen allele CA235356661.

ClinVar aggregate classification (germline): Uncertain significance (1 of 4 stars; one submission).

Conditions:
Inborn genetic diseases. Identifiers: MedGen C0950123, MeSH D030342.

Allele frequency attached by ClinVar (database versions not stated): gnomAD exomes below 0.00001.
gnomAD v4.1: 1 of 1,613,866 alleles (0.000062%); no homozygotes.

Submission:

Ambry Genetics
Classification: Uncertain significance for Inborn genetic diseases. Last evaluated: 2024-06-29. Review status: criteria provided, single submitter. Criteria: Ambry Variant Classification Scheme 2023. Collection method: clinical testing. Allele origin: germline.
Comment: The p.A298V variant (also known as c.893C>T), located in coding exon 8 of the LRRK2 gene, results from a C to T substitution at nucleotide position 893. The alanine at codon 298 is replaced by valine, an amino acid with similar properties. This amino acid position is conserved. In addition, the in silico prediction for this alteration is inconclusive. Since supporting evidence is limited at this time, the clinical significance of this alteration remains unclear.